The following is an entry in ClinVar:

NM_024685.4(BBS10):c.1407T>G (p.Tyr469Ter)

Gene: BBS10 (Bardet-Biedl syndrome 10; minus strand). Cytogenetic location: 12q21.2.
Variant type: single nucleotide variant.
Coding change: c.1407T>G on transcript NM_024685.4 (MANE Select); coding-DNA position 1407, T replaced by G.
Protein change: p.Tyr469Ter; replaces tyrosine 469 with a stop codon.
Molecular consequence: nonsense.
Genome position (GRCh38, 1-based): chr12:76,346,578, A>C on the plus strand (T>G on the coding strand, the complement: BBS10 is on the minus strand). VCF-style: chr12-76346578-A-C. GRCh37 (hg19) VCF-style: chr12-76740358-A-C.
Other names: c.1407T>G, p.Tyr469Ter (LRG_1255t1); short protein forms Y469*.
Identifiers: ClinVar variation 632669 (VCV000632669.5), dbSNP rs1356713858, ClinGen allele CA385811237.

ClinVar aggregate classification (germline): Pathogenic. Review status: criteria provided, multiple submitters, no conflicts (2 of 4 stars). 3 submissions from 3 submitters: Pathogenic (2). 1 of the submissions does not count toward it. Last evaluated 2026-01-20.

Conditions:
Bardet-Biedl syndrome (BBS). Identifiers: Orphanet 110, MedGen C0752166, MONDO:0015229.
Bardet-Biedl syndrome 10 (BBS10). Identifiers: Orphanet 110, MedGen C1859568, MONDO:0014438, OMIM 615987.

Allele frequency attached by ClinVar (database versions not stated): TOPMed below 0.00001; gnomAD 0.00001.
gnomAD v4.1: 1 of 1,614,028 alleles (0.000062%); highest among the groups gnomAD compares: Non-Finnish European, 0.000085%; no homozygotes.

Submissions (3):

Labcorp Genetics (formerly Invitae), Labcorp
Classification: Pathogenic for Bardet-Biedl syndrome. Last evaluated: 2026-01-20. Review status: criteria provided, single submitter. Criteria: Invitae Variant Classification Sherloc (09022015). Collection method: clinical testing. Allele origin: germline.
Comment: This sequence change creates a premature translational stop signal (p.Tyr469*) in the BBS10 gene. While this is not anticipated to result in nonsense mediated decay, it is expected to disrupt the last 255 amino acid(s) of the BBS10 protein. This variant is not present in population databases (gnomAD no frequency). This premature translational stop signal has been observed in individual(s) with clinical features of Bardet–Biedl syndrome (PMID: 21052717, 34940782). ClinVar contains an entry for this variant (Variation ID: 632669). This variant disrupts a region of the BBS10 protein in which other variant(s) (p.Val707*) have been determined to be pathogenic (PMID: 20472660, 22773737, 25982971, 27486776). This suggests that this is a clinically significant region of the protein, and that variants that disrupt it are likely to be disease-causing. For these reasons, this variant has been classified as Pathogenic.

Women's Health and Genetics/Laboratory Corporation of America, LabCorp
Classification: Pathogenic for Bardet-Biedl syndrome 10. Last evaluated: 2018-01-19. Review status: criteria provided, single submitter. Criteria: LabCorp Variant Classification Summary - May 2015. Collection method: clinical testing. Allele origin: germline.
Comment: Variant summary: The BBS10 c.1407T>G (p.Tyr469X) variant results in a premature termination codon, predicted to cause a truncated or absent BBS10 protein due to nonsense mediated decay, which are commonly known mechanisms for disease. Truncations downstream of this position have been classified as pathogenic by our laboratory (e.g. c.1677delC, c.2119_2120delGT, etc). This variant is absent in 246630 control chromosomes (gnomAD and publication controls). This variant has been reported in several BBS patients in compound heterozygous state with c.271_272insT (p.C91LfsX5), including in three members of the same family (Deveault_2011, Janssen_2011, Kerr_2015). Taken together, this variant is classified as pathogenic.

Natera, Inc.
Classification: Pathogenic for Bardet-Biedl syndrome type 10. Last evaluated: 2020-09-09. Review status: no assertion criteria provided. Collection method: clinical testing. Allele origin: germline. Not counted in ClinVar's aggregate classification.

Literature cited by the submitters: PubMed 21052717 (cited by Labcorp Genetics (formerly Invitae), Labcorp and Women's Health and Genetics/Laboratory Corporation of America, LabCorp); PubMed 34940782 (cited by Labcorp Genetics (formerly Invitae), Labcorp); PubMed 20472660 (cited by Labcorp Genetics (formerly Invitae), Labcorp); PubMed 22773737 (cited by Labcorp Genetics (formerly Invitae), Labcorp); PubMed 25982971 (cited by Labcorp Genetics (formerly Invitae), Labcorp); PubMed 27486776 (cited by Labcorp Genetics (formerly Invitae), Labcorp); PubMed 25988237 (cited by Women's Health and Genetics/Laboratory Corporation of America, LabCorp); PubMed 21463199 (cited by Women's Health and Genetics/Laboratory Corporation of America, LabCorp); PubMed 21344540 (cited by Women's Health and Genetics/Laboratory Corporation of America, LabCorp).